The following is an entry in ClinVar:

NM_017433.5(MYO3A):c.3133G>T (p.Val1045Leu)

Gene: MYO3A (myosin IIIA; plus strand). Cytogenetic location: 10p12.1.
Variant type: single nucleotide variant.
Coding change: c.3133G>T on transcript NM_017433.5 (MANE Select); coding-DNA position 3133, G replaced by T.
Protein change: p.Val1045Leu; replaces valine 1045 with leucine.
Molecular consequence: missense variant.
Genome position (GRCh38, 1-based): chr10:26,168,733, G>T. VCF-style: chr10-26168733-G-T. GRCh37 (hg19) VCF-style: chr10-26457662-G-T.
Other names: short protein forms V1045L.
Identifiers: ClinVar variation 1997536 (VCV001997536.4), dbSNP rs35447806, ClinGen allele CA376337365.

ClinVar aggregate classification (germline): Uncertain significance (1 of 4 stars; one submission).

gnomAD v4.1: 1 of 1,612,892 alleles (0.000062%); highest among the groups gnomAD compares: Non-Finnish European, 0.000085%; no homozygotes.

Submission:

Labcorp Genetics (formerly Invitae), Labcorp
Classification: Uncertain significance. Last evaluated: 2022-05-25. Review status: criteria provided, single submitter. Criteria: Invitae Variant Classification Sherloc (09022015). Collection method: clinical testing. Allele origin: germline.
Comment: In summary, the available evidence is currently insufficient to determine the role of this variant in disease. Therefore, it has been classified as a Variant of Uncertain Significance. Algorithms developed to predict the effect of missense changes on protein structure and function are either unavailable or do not agree on the potential impact of this missense change (SIFT: "Deleterious"; PolyPhen-2: "Benign"; Align-GVGD: "Class C0"). This variant has not been reported in the literature in individuals affected with MYO3A-related conditions. This variant is not present in population databases (gnomAD no frequency). This sequence change replaces valine, which is neutral and non-polar, with leucine, which is neutral and non-polar, at codon 1045 of the MYO3A protein (p.Val1045Leu).